The following is an entry in ClinVar:

NM_199242.3(UNC13D):c.2955-2A>G

Gene: UNC13D (unc-13 homolog D; minus strand). Cytogenetic location: 17q25.1.
Variant type: single nucleotide variant.
Coding change: c.2955-2A>G on transcript NM_199242.3 (MANE Select); the canonical splice acceptor site of the intron before coding-DNA position 2955, A replaced by G.
Molecular consequence: splice acceptor variant.
Genome position (GRCh38, 1-based): chr17:75,828,985, T>C on the plus strand (A>G on the coding strand, the complement: UNC13D is on the minus strand). VCF-style: chr17-75828985-T-C. GRCh37 (hg19) VCF-style: chr17-73825066-T-C.
Identifiers: ClinVar variation 4710427 (VCV004710427.1).

ClinVar aggregate classification (germline): Likely pathogenic (1 of 4 stars; one submission).

Conditions:
Familial hemophagocytic lymphohistiocytosis 3 (FHL3). Also called: UNC13D-Related Familial Hemophagocytic Lymphohistiocytosis (UNC13D-fHLH). Identifiers: Orphanet 540, MedGen C1837174, MONDO:0012146, OMIM 608898.

Submission:

Labcorp Genetics (formerly Invitae), Labcorp
Classification: Likely pathogenic for Familial hemophagocytic lymphohistiocytosis 3. Last evaluated: 2025-10-01. Review status: criteria provided, single submitter. Criteria: Invitae Variant Classification Sherloc (09022015). Collection method: clinical testing. Allele origin: germline.
Comment: This sequence change affects an acceptor splice site in intron 30 of the UNC13D gene. It is expected to disrupt RNA splicing. Variants that disrupt the donor or acceptor splice site typically lead to a loss of protein function (PMID: 16199547), and loss-of-function variants in UNC13D are known to be pathogenic (PMID: 14622600). This variant is not present in population databases (gnomAD no frequency). Disruption of this splice site has been observed in individual(s) with hemophagocytic lymphohistiocytosis type 3 (PMID: 26419432). Algorithms developed to predict the effect of sequence changes on RNA splicing suggest that this variant may disrupt the consensus splice site. In summary, the currently available evidence indicates that the variant is pathogenic, but additional data are needed to prove that conclusively. Therefore, this variant has been classified as Likely Pathogenic.

Literature cited by the submitters: PubMed 16199547; PubMed 14622600; PubMed 26419432.